The following is an entry in ClinVar:

NM_152703.5(SAMD9L):c.731A>C (p.Lys244Thr)

Gene: SAMD9L (sterile alpha motif domain containing 9 like; minus strand). Cytogenetic location: 7q21.2.
Variant type: single nucleotide variant.
Coding change: c.731A>C on transcript NM_152703.5 (MANE Select); coding-DNA position 731, A replaced by C.
Protein change: p.Lys244Thr; replaces lysine 244 with threonine.
Molecular consequence: missense variant.
Genome position (GRCh38, 1-based): chr7:93,135,241, T>G on the plus strand (A>C on the coding strand, the complement: SAMD9L is on the minus strand). VCF-style: chr7-93135241-T-G. GRCh37 (hg19) VCF-style: chr7-92764554-T-G.
Other names: c.731A>C, p.Lys244Thr (NM_001303496.3, NM_001303497.3, NM_001303498.3 and 5 more transcripts); short protein forms K244T.
Identifiers: ClinVar variation 4159265 (VCV004159265.1).

ClinVar aggregate classification (germline): Uncertain significance (1 of 4 stars; one submission).

Conditions:
Inborn genetic diseases. Identifiers: MedGen C0950123, MeSH D030342.

gnomAD v4.1: 1 of 1,614,004 alleles (0.000062%); highest among the groups gnomAD compares: African/African-American, 0.0013%; no homozygotes.

Submission:

Ambry Genetics
Classification: Uncertain significance for Inborn genetic diseases. Last evaluated: 2025-06-23. Review status: criteria provided, single submitter. Criteria: Ambry Variant Classification Scheme 2023. Collection method: clinical testing. Allele origin: germline.
Comment: The p.K244T variant (also known as c.731A>C), located in coding exon 1 of the SAMD9L gene, results from an A to C substitution at nucleotide position 731. The lysine at codon 244 is replaced by threonine, an amino acid with similar properties. This amino acid position is conserved. In addition, this alteration is predicted to be tolerated by in silico analysis. Based on the available evidence, the clinical significance of this variant remains unclear.